The following is an entry in ClinVar:

ClinVar aggregate classification (germline): Pathogenic (1 of 4 stars; one submission).

Conditions:
Hereditary spastic paraplegia 11. Also called: Spastic paraplegia, mental retardation and thin corpus callosum; SPASTIC PARAPLEGIA, AUTOSOMAL RECESSIVE, COMPLICATED, WITH THIN CORPUS CALLOSUM; SPASTIC PARAPLEGIA, AUTOSOMAL RECESSIVE, WITH MENTAL IMPAIRMENT AND THIN CORPUS CALLOSUM; Nakamura Osame syndrome; Autosomal recessive hereditary spastic paraplegia, mental impairment, and thin corpus callosum; Spastic Paraplegia 11. Identifiers: Orphanet 2822, MedGen C1858479, MONDO:0011445, OMIM 604360.

Submission:

Labcorp Genetics (formerly Invitae), Labcorp
Classification: Pathogenic for Hereditary spastic paraplegia 11. Last evaluated: 2018-05-15. Review status: criteria provided, single submitter. Criteria: Invitae Variant Classification Sherloc (09022015). Collection method: clinical testing. Allele origin: germline.
Comment: For these reasons, this variant has been classified as Pathogenic. Loss-of-function variants in SPG11 are known to be pathogenic (PMID: 19105190, 20110243, 22154821, 26556829). This variant has not been reported in the literature in individuals with SPG11-related disease. This variant is not present in population databases (ExAC no frequency). This sequence change creates a premature translational stop signal (p.Phe1822Serfs*12) in the SPG11 gene. It is expected to result in an absent or disrupted protein product.

Literature cited by the submitters: PubMed 19105190; PubMed 20110243; PubMed 22154821; PubMed 26556829.

NM_025137.4(SPG11):c.5465_5477del (p.Phe1822fs)

Gene: SPG11 (SPG11 vesicle trafficking associated, spatacsin; minus strand). Cytogenetic location: 15q21.1.
Variant type: Deletion.
Coding change: c.5465_5477del on transcript NM_025137.4 (MANE Select); coding-DNA positions 5465 to 5477, 13 bases deleted (TTTCTCGACAGAT).
Protein change: p.Phe1822fs; shifts the reading frame from phenylalanine 1822.
Molecular consequence: frameshift variant.
Genome position (GRCh38, 1-based): chr15:44,584,203-44,584,215, ATCTGTCGAGAAA deleted on the plus strand (TTTCTCGACAGAT on the coding strand, the reverse complement: SPG11 is on the minus strand); deleting any 13 consecutive bases within chr15:44,584,203-44,584,220 gives the same sequence; the c. name uses the placement nearest the transcript's 3' end. VCF-style (leftmost placement, unchanged base first): chr15-44584202-GATCTGTCGAGAAA-G. GRCh37 (hg19) VCF-style: chr15-44876400-GATCTGTCGAGAAA-G.
Other names: c.5465_5477del, p.Phe1822fs (NM_001160227.2); short protein forms F1822fs.
Identifiers: ClinVar variation 571055 (VCV000571055.6), dbSNP rs1567138536, ClinGen allele CA891844008.
Genomic context (GRCh38, chr15:44,584,202, plus strand): 5'-CAACTTGGAGAAGGAAAACTCACTGGCTAAACTATCAAAGGAAAGTTCACCACTAGTTGA[GATCTGTCGAGAAA>G]ATCTGGGCTCTGTTTCCTCCTGATTTCTTCCAAGAGTGTGCTGGGTGATGCGGCACAGCC-3'